The following is an entry in ClinVar:

NM_025103.4(IFT74):c.748C>G (p.Gln250Glu)

Gene: IFT74 (intraflagellar transport 74; plus strand). Cytogenetic location: 9p21.2.
Variant type: single nucleotide variant.
Coding change: c.748C>G on transcript NM_025103.4 (MANE Select); coding-DNA position 748, C replaced by G.
Protein change: p.Gln250Glu; replaces glutamine 250 with glutamic acid.
Molecular consequence: missense variant.
Genome position (GRCh38, 1-based): chr9:27,011,927, C>G. VCF-style: chr9-27011927-C-G. GRCh37 (hg19) VCF-style: chr9-27011925-C-G.
Other names: c.748C>G, p.Gln250Glu (NM_001099222.3, NM_001099223.3, NM_001099224.3 and 1 more transcripts); c.748C>G (NM_025103.2, NM_001099222.1); short protein forms Q250E.
Identifiers: ClinVar variation 1435057 (VCV001435057.9), dbSNP rs374060021, ClinGen allele CA191309666.
Genomic context (GRCh38, chr9:27,011,927, plus strand): 5'-GTAATTTGGATTTATGTTTGCTTTTTTTTTTCCACTTAGGAATTAGATACACTTCAACAA[C>G]AATTGGATTCACAGAACATGAAAAAAGAGAGCCTGGAAGCAGTAAGTATAAAATCAAATA-3'
Protein context (NP_079379.2, residues 240-260): LLQELDTLQQ[Gln250Glu]LDSQNMKKES

ClinVar aggregate classification (germline): Uncertain significance. Review status: criteria provided, multiple submitters, no conflicts (2 of 4 stars). 3 submissions from 3 submitters: Uncertain significance (2). 1 of the submissions does not count toward it. Last evaluated 2024-09-25.

Conditions:
IFT74-related disorder. Also called: IFT74-related condition; IFT74-Related Disorders.
Inborn genetic diseases. Identifiers: MedGen C0950123, MeSH D030342.

Allele frequency attached by ClinVar (database versions not stated): gnomAD exomes below 0.00001 and 0.00001; gnomAD 0.00006; TOPMed 0.00008; ESP Exome Variant Server 0.00009.
gnomAD v4.1: 15 of 1,578,952 alleles (0.00095%); highest among the groups gnomAD compares: African/African-American, 0.021%; no homozygotes.

Submissions (3):

Ambry Genetics
Classification: Uncertain significance for Inborn genetic diseases. Last evaluated: 2024-09-25. Review status: criteria provided, single submitter. Criteria: Ambry Variant Classification Scheme 2023. Collection method: clinical testing. Allele origin: germline.

Labcorp Genetics (formerly Invitae), Labcorp
Classification: Uncertain significance. Last evaluated: 2023-06-16. Review status: criteria provided, single submitter. Criteria: Invitae Variant Classification Sherloc (09022015). Collection method: clinical testing. Allele origin: germline.
Comment: In summary, the available evidence is currently insufficient to determine the role of this variant in disease. Therefore, it has been classified as a Variant of Uncertain Significance. Algorithms developed to predict the effect of missense changes on protein structure and function output the following: SIFT: "Not Available"; PolyPhen-2: "Benign"; Align-GVGD: "Not Available". The glutamic acid amino acid residue is found in multiple mammalian species, which suggests that this missense change does not adversely affect protein function. ClinVar contains an entry for this variant (Variation ID: 1435057). This variant has not been reported in the literature in individuals affected with IFT74-related conditions. This variant is present in population databases (rs374060021, gnomAD 0.02%). This sequence change replaces glutamine, which is neutral and polar, with glutamic acid, which is acidic and polar, at codon 250 of the IFT74 protein (p.Gln250Glu).

PreventionGenetics, part of Exact Sciences
Classification: Uncertain significance for IFT74-related condition. Last evaluated: 2024-02-23. Review status: no assertion criteria provided. Collection method: clinical testing. Allele origin: germline. Not counted in ClinVar's aggregate classification.
Comment: The IFT74 c.748C>G variant is predicted to result in the amino acid substitution p.Gln250Glu. To our knowledge, this variant has not been reported in the literature. This variant is reported in 0.018% of alleles in individuals of African descent in gnomAD. At this time, the clinical significance of this variant is uncertain due to the absence of conclusive functional and genetic evidence.